The following is an entry in ClinVar:

NM_001854.4(COL11A1):c.3762+2T>G

Gene: COL11A1 (collagen type XI alpha 1 chain; minus strand). Cytogenetic location: 1p21.1.
Variant type: single nucleotide variant.
Coding change: c.3762+2T>G on transcript NM_001854.4 (MANE Select); the canonical splice donor site of the intron after coding-DNA position 3762, T replaced by G.
Molecular consequence: splice donor variant.
Genome position (GRCh38, 1-based): chr1:102,920,309, A>C on the plus strand (T>G on the coding strand, the complement: COL11A1 is on the minus strand). VCF-style: chr1-102920309-A-C. GRCh37 (hg19) VCF-style: chr1-103385865-A-C.
Other names: c.3645+2T>G (NM_001190709.2); c.3798+2T>G (NM_080629.3); c.3414+2T>G (NM_080630.4).
Identifiers: ClinVar variation 2078833 (VCV002078833.4), dbSNP rs2524540006, ClinGen allele CA341163609.

ClinVar aggregate classification (germline): Pathogenic (1 of 4 stars; one submission).

Submission:

Labcorp Genetics (formerly Invitae), Labcorp
Classification: Pathogenic. Last evaluated: 2022-11-15. Review status: criteria provided, single submitter. Criteria: Invitae Variant Classification Sherloc (09022015). Collection method: clinical testing. Allele origin: germline.
Comment: Algorithms developed to predict the effect of sequence changes on RNA splicing suggest that this variant may disrupt the consensus splice site. Disruption of this splice site has been observed in individual(s) with Stickler syndrome (Invitae). This sequence change affects a donor splice site in intron 49 of the COL11A1 gene. It is expected to disrupt RNA splicing. Variants that disrupt the donor or acceptor splice site typically lead to a loss of protein function (PMID: 16199547), and loss-of-function variants in COL11A1 are known to be pathogenic (PMID: 20513134, 21035103, 23922384, 25240749, 32427345, 32756486). This variant is not present in population databases (gnomAD no frequency). For these reasons, this variant has been classified as Pathogenic.

Literature cited by the submitters: PubMed 16199547; PubMed 20513134; PubMed 21035103; PubMed 23922384; PubMed 25240749; PubMed 32427345; PubMed 32756486.